The following is an entry in ClinVar:

NM_016111.4(TELO2):c.720G>A (p.Ala240=)

Gene: TELO2 (telomere maintenance 2; plus strand). Cytogenetic location: 16p13.3.
Variant type: single nucleotide variant.
Coding change: c.720G>A on transcript NM_016111.4 (MANE Select); coding-DNA position 720, G replaced by A.
Protein change: p.Ala240=; no amino-acid change (alanine 240 retained).
Molecular consequence: synonymous variant.
Genome position (GRCh38, 1-based): chr16:1,497,398, G>A. VCF-style: chr16-1497398-G-A. GRCh37 (hg19) VCF-style: chr16-1547399-G-A.
Other names: c.720G>A, p.Ala240= (NM_001351846.2).
Identifiers: ClinVar variation 2152820 (VCV002152820.26), dbSNP rs776868697, ClinGen allele CA7811772.

ClinVar aggregate classification (germline): Likely benign. Review status: criteria provided, multiple submitters, no conflicts (2 of 4 stars). 2 submissions from 2 submitters: Likely benign (2). Last evaluated 2024-02-01.

Allele frequency attached by ClinVar (database versions not stated): gnomAD exomes 0.00001.
gnomAD v4.1: 17 of 1,550,860 alleles (0.0011%); highest among the groups gnomAD compares: East Asian, 0.0024%; no homozygotes.

Submissions (2):

CeGaT Center for Human Genetics Tuebingen
Classification: Likely benign. Last evaluated: 2024-02-01. Review status: criteria provided, single submitter. Criteria: CeGaT Center For Human Genetics Tuebingen Variant Classification Criteria Version 2. Collection method: clinical testing. Allele origin: germline. Affected: yes. Observed: 1 variant allele.
Comment: TELO2: BP4, BP7

Labcorp Genetics (formerly Invitae), Labcorp
Classification: Likely benign. Last evaluated: 2022-06-27. Review status: criteria provided, single submitter. Criteria: Invitae Variant Classification Sherloc (09022015). Collection method: clinical testing. Allele origin: germline.